The following is an entry in ClinVar:

ClinVar aggregate classification (germline): Uncertain significance (1 of 4 stars; one submission).

Conditions:
Aniridia 1 (AN1). Identifiers: Orphanet 250923, MedGen C0344542, MONDO:0024507, OMIM 106210.
Irido-corneo-trabecular dysgenesis (ASGD5). Also called: ANTERIOR SEGMENT DYSGENESIS 5. Identifiers: Orphanet 708, MedGen C0344559, MONDO:0011414, OMIM 604229, HP:0000659.

Allele frequency attached by ClinVar (database versions not stated): gnomAD exomes 0.00001.

Submission:

Labcorp Genetics (formerly Invitae), Labcorp
Classification: Uncertain significance for Aniridia 1; Irido-corneo-trabecular dysgenesis. Last evaluated: 2022-12-11. Review status: criteria provided, single submitter. Criteria: Invitae Variant Classification Sherloc (09022015). Collection method: clinical testing. Allele origin: germline.
Comment: Advanced modeling of protein sequence and biophysical properties (such as structural, functional, and spatial information, amino acid conservation, physicochemical variation, residue mobility, and thermodynamic stability) performed at Invitae indicates that this missense variant is expected to disrupt PAX6 protein function. In summary, the available evidence is currently insufficient to determine the role of this variant in disease. Therefore, it has been classified as a Variant of Uncertain Significance. This variant has not been reported in the literature in individuals affected with PAX6-related conditions. This variant is not present in population databases (gnomAD no frequency). This sequence change replaces glutamic acid, which is acidic and polar, with lysine, which is basic and polar, at codon 109 of the PAX6 protein (p.Glu109Lys).

NM_001368894.2(PAX6):c.367G>A (p.Glu123Lys)

Gene: PAX6 (paired box 6; minus strand). Cytogenetic location: 11p13.
Variant type: single nucleotide variant.
Coding change: c.367G>A on transcript NM_001368894.2 (MANE Select); coding-DNA position 367, G replaced by A.
Protein change: p.Glu123Lys; replaces glutamic acid 123 with lysine.
Molecular consequence: missense variant. On other transcripts: 5 prime UTR variant (14), non-coding transcript variant (2), intron variant (8).
Genome position (GRCh38, 1-based): chr11:31,801,593, C>T on the plus strand (G>A on the coding strand, the complement: PAX6 is on the minus strand). VCF-style: chr11-31801593-C-T. GRCh37 (hg19) VCF-style: chr11-31823141-C-T.
Other names: c.325G>A, p.Glu109Lys (NM_000280.6, NM_001127612.3, NM_001258464.2 and 10 more transcripts); c.367G>A, p.Glu123Lys (NM_001258462.3, NM_001258463.2, NM_001310158.2 and 6 more transcripts); c.-415G>A (NM_001310160.2, NM_001368902.2, NM_001368905.2); c.-84G>A (NM_001310161.3, NM_001368899.2, NM_001368900.2 and 8 more transcripts); c.568G>A, p.Glu190Lys (NM_001368910.2); c.370G>A, p.Glu124Lys (NM_001368911.2); c.442G>A, p.Glu148Lys (NM_001368918.2, NM_001368919.2); c.400G>A, p.Glu134Lys (NM_001368920.2); and 2 more; short protein forms E124K, E109K, E123K, E134K, E148K, E190K.
Identifiers: ClinVar variation 2941417 (VCV002941417.3), dbSNP rs1554985305, ClinGen allele CA379958504.